The following is an entry in ClinVar:

NM_000548.5(TSC2):c.335_336+14del

Gene: TSC2 (TSC complex subunit 2; plus strand). Cytogenetic location: 16p13.3.
Variant type: Deletion.
Coding change: c.335_336+14del on transcript NM_000548.5 (MANE Select); coding-DNA position 335 through 14 bases into the intron after coding-DNA position 336, 16 bases deleted (AGGTAAGGCCCAGGGC).
Molecular consequence: splice donor variant. On other transcripts: intron variant (2).
Genome position (GRCh38, 1-based): chr16:2,053,451-2,053,466, AGGTAAGGCCCAGGGC deleted; deleting any 16 consecutive bases within chr16:2,053,447-2,053,466 gives the same sequence; the c. name uses the placement nearest the transcript's 3' end. VCF-style (leftmost placement, unchanged base first): chr16-2053446-GGGGCAGGTAAGGCCCA-G. GRCh37 (hg19) VCF-style: chr16-2103447-GGGGCAGGTAAGGCCCA-G.
Other names: c.335_336+14delAGGTAAGGCCCAGGGC (NM_000548.3); c.335_336+14del (NM_001114382.3, NM_021055.3, NM_001370405.1 and 3 more transcripts); c.226-845_226-830del (NM_001318827.2); c.-1-2745_-1-2730del (NM_001318831.2); c.188_189+14del (NM_001318829.2); c.368_369+14del (NM_001318832.2).
Identifiers: ClinVar variation 656720 (VCV000656720.6), dbSNP rs1596259720, ClinGen allele CA915946217.

ClinVar aggregate classification (germline): Likely pathogenic (1 of 4 stars; one submission).

Conditions:
Tuberous sclerosis 2 (TSC2). Identifiers: Orphanet 805, MedGen C1860707, MONDO:0013199, OMIM 613254.

Submission:

Labcorp Genetics (formerly Invitae), Labcorp
Classification: Likely pathogenic for Tuberous sclerosis 2. Last evaluated: 2018-10-22. Review status: criteria provided, single submitter. Criteria: Invitae Variant Classification Sherloc (09022015). Collection method: clinical testing. Allele origin: germline.
Comment: This variant is a gross deletion of the genomic region encompassing part of exon 4 (c.335_336+14del) of the TSC2 gene. It is expected to disrupt RNA splicing and likely results in an absent or disrupted protein product. This variant is not present in population databases (ExAC no frequency). This variant has not been reported in the literature in individuals with TSC2-related disease. Loss-of-function variants in TSC2 are known to be pathogenic (PMID: 10205261, 17304050). In summary, the currently available evidence indicates that the variant is pathogenic, but additional data are needed to prove that conclusively. Therefore, this variant has been classified as Likely Pathogenic.

Literature cited by the submitters: PubMed 10205261; PubMed 17304050.